The following is an entry in ClinVar:

ClinVar aggregate classification (germline): Uncertain significance (1 of 4 stars; one submission).

Conditions:
Cardiovascular phenotype. Identifiers: MedGen CN230736.

Allele frequency attached by ClinVar (database versions not stated): TOPMed 0.00001; gnomAD 0.00002.
gnomAD v4.1: 3 of 1,612,844 alleles (0.00019%); highest among the groups gnomAD compares: African/African-American, 0.004%; no homozygotes.

Submission:

Ambry Genetics
Classification: Uncertain significance for Cardiovascular phenotype. Last evaluated: 2022-04-04. Review status: criteria provided, single submitter. Criteria: Ambry Variant Classification Scheme 2023. Collection method: clinical testing. Allele origin: germline.
Comment: The p.E432D variant (also known as c.1296G>T), located in coding exon 20 of the TRDN gene, results from a G to T substitution at nucleotide position 1296. The glutamic acid at codon 432 is replaced by aspartic acid, an amino acid with highly similar properties. This amino acid position is conserved. In addition, this alteration is predicted to be tolerated by in silico analysis. Since supporting evidence is limited at this time, the clinical significance of this alteration remains unclear.

NM_006073.4(TRDN):c.1296G>T (p.Glu432Asp)

Gene: TRDN (triadin; minus strand). Cytogenetic location: 6q22.31.
Variant type: single nucleotide variant.
Coding change: c.1296G>T on transcript NM_006073.4 (MANE Select); coding-DNA position 1296, G replaced by T.
Protein change: p.Glu432Asp; replaces glutamic acid 432 with aspartic acid.
Molecular consequence: missense variant.
Genome position (GRCh38, 1-based): chr6:123,366,160, C>A on the plus strand (G>T on the coding strand, the complement: TRDN is on the minus strand). VCF-style: chr6-123366160-C-A. GRCh37 (hg19) VCF-style: chr6-123687305-C-A.
Other names: c.1299G>T, p.Glu433Asp (NM_001251987.2); c.1239G>T, p.Glu413Asp (NM_001407315.1); short protein forms E413D, E432D, E433D.
Identifiers: ClinVar variation 1769226 (VCV001769226.2), dbSNP rs1445909953, ClinGen allele CA365565937.
Genomic context (GRCh38, chr6:123,366,160, plus strand): 5'-TAGTTATGACATCTTTATCTTTAAGCTGCATTTACCTTTTTTAATTGAAACCGCACCAAT[C>A]TCCTCTTTGGCTCGTTCAGTTTCTGCAAGTTCAGATATTAAAGGAATGAGAAGTGGATAT-3'
Protein context (NP_006064.2, residues 422-442): VKAKTERAKE[Glu432Asp]IGAVSIKKAV